The following is an entry in ClinVar:

NM_000288.4(PEX7):c.577G>A (p.Val193Met)

Gene: PEX7 (peroxisomal biogenesis factor 7; plus strand). Cytogenetic location: 6q23.3.
Variant type: single nucleotide variant.
Coding change: c.577G>A on transcript NM_000288.4 (MANE Select); coding-DNA position 577, G replaced by A.
Protein change: p.Val193Met; replaces valine 193 with methionine.
Molecular consequence: missense variant.
Genome position (GRCh38, 1-based): chr6:136,866,677, G>A. VCF-style: chr6-136866677-G-A. GRCh37 (hg19) VCF-style: chr6-137187815-G-A.
Other names: c.463G>A, p.Val155Met (NM_001410945.1); short protein forms V155M, V193M.
Identifiers: ClinVar variation 3372437 (VCV003372437.2).

ClinVar aggregate classification (germline): Uncertain significance. Review status: criteria provided, multiple submitters, no conflicts (2 of 4 stars). 2 submissions from 2 submitters: Uncertain significance (2). Last evaluated 2025-04-05.

Conditions:
Inborn genetic diseases. Identifiers: MedGen C0950123, MeSH D030342.

gnomAD v4.1: 4 of 1,613,986 alleles (0.00025%); highest among the groups gnomAD compares: South Asian, 0.0022%; no homozygotes.

Submissions (2):

Ambry Genetics
Classification: Uncertain significance for Inborn genetic diseases. Last evaluated: 2025-04-05. Review status: criteria provided, single submitter. Criteria: Ambry Variant Classification Scheme 2023. Collection method: clinical testing. Allele origin: germline.

GeneDx
Classification: Uncertain significance. Last evaluated: 2024-04-12. Review status: criteria provided, single submitter. Criteria: GeneDx Variant Classification Process June 2021. Collection method: clinical testing. Allele origin: germline. Affected: yes.
Comment: Not observed at significant frequency in large population cohorts (gnomAD); In silico analysis indicates that this missense variant does not alter protein structure/function; Has not been previously published as pathogenic or benign to our knowledge